The following is an entry in ClinVar:

NM_001690.4(ATP6V1A):c.65A>G (p.His22Arg)

Gene: ATP6V1A (ATPase H+ transporting V1 subunit A; plus strand). Cytogenetic location: 3q13.31.
Variant type: single nucleotide variant.
Coding change: c.65A>G on transcript NM_001690.4 (MANE Select); coding-DNA position 65, A replaced by G.
Protein change: p.His22Arg; replaces histidine 22 with arginine.
Molecular consequence: missense variant.
Genome position (GRCh38, 1-based): chr3:113,778,818, A>G. VCF-style: chr3-113778818-A-G. GRCh37 (hg19) VCF-style: chr3-113497665-A-G.
Other names: c.65A>G (NM_001690.3); short protein forms H22R.
Identifiers: ClinVar variation 2052568 (VCV002052568.7), dbSNP rs768359551, ClinGen allele CA2547731.

ClinVar aggregate classification (germline): Uncertain significance. Review status: criteria provided, multiple submitters, no conflicts (2 of 4 stars). 3 submissions from 3 submitters: Uncertain significance (3). Last evaluated 2023-05-18.

Conditions:
Developmental and epileptic encephalopathy 93. Also called: EPILEPTIC ENCEPHALOPATHY, INFANTILE OR EARLY CHILDHOOD, 3. Identifiers: MedGen C4693934, MONDO:0020632, OMIM 618012.
Inborn genetic diseases. Identifiers: MedGen C0950123, MeSH D030342.

Allele frequency attached by ClinVar (database versions not stated): ExAC 0.00001; gnomAD exomes 0.00001.
gnomAD v4.1: 14 of 1,584,804 alleles (0.00088%); highest among the groups gnomAD compares: Non-Finnish European, 0.0012%; no homozygotes.

Submissions (3):

Ambry Genetics
Classification: Uncertain significance for Inborn genetic diseases. Last evaluated: 2023-05-18. Review status: criteria provided, single submitter. Criteria: Ambry Variant Classification Scheme 2023. Collection method: clinical testing. Allele origin: germline.

Victorian Clinical Genetics Services, Murdoch Childrens Research Institute
Classification: Uncertain significance for Developmental and epileptic encephalopathy 93. Last evaluated: 2022-02-02. Review status: criteria provided, single submitter. Criteria: ACMG Guidelines, 2015. Collection method: clinical testing. Allele origin: germline. Inheritance: Autosomal dominant inheritance. Affected: yes.
Comment: Based on the classification scheme VCGS_Germline_v1.3.4, this variant is classified as VUS-3B. Following criteria are met: 0103 - Loss of function and gain of function are suggested mechanisms of disease in this gene and are associated with dominant developmental and epileptic encephalopathy 93 (MIM#618012) (PMID: 29668857). Loss of function is also a suggested mechanism associated with recessive cutis laxa type IID (MIM#617403) (PMID: 28065471). (I) 0108 - This gene is associated with both recessive and dominant disease (OMIM). (I) 0200 - Variant is predicted to result in a missense amino acid change from histidine to arginine. (I) 0251 - This variant is heterozygous. (I) 0302 - Variant is present in gnomAD (v2) <0.001 for a dominant condition (1 heterozygote, 0 homozygotes). (SP) 0309 - An alternative amino acid change at the same position has been observed in gnomAD (v2, v3) (1 heterozygote, 0 homozygotes). (I) 0502 - Missense variant with conflicting in silico predictions and uninformative conservation. (I) 0600 - Variant is located in the annotated ATP synthase alpha/beta family, beta-barrel domain (Decipher). (I) 0705 - No comparable missense variants have previous evidence for pathogenicity. (I) 0807 - This variant has no previous evidence of pathogenicity. (I) 0905 - No published segregation evidence has been identified for this variant. (I) 1007 - No published functional evidence has been identified for this variant. (I) 1208 - Inheritance information for this variant is not currently available in this individual. (I) Legend: (SP) - Supporting pathogenic, (I) - Information, (SB) - Supporting benign

Labcorp Genetics (formerly Invitae), Labcorp
Classification: Uncertain significance. Last evaluated: 2021-12-22. Review status: criteria provided, single submitter. Criteria: Invitae Variant Classification Sherloc (09022015). Collection method: clinical testing. Allele origin: germline.
Comment: This sequence change replaces histidine, which is basic and polar, with arginine, which is basic and polar, at codon 22 of the ATP6V1A protein (p.His22Arg). This variant is present in population databases (rs768359551, gnomAD 0.001%). This variant has not been reported in the literature in individuals affected with ATP6V1A-related conditions. Algorithms developed to predict the effect of missense changes on protein structure and function (SIFT, PolyPhen-2, Align-GVGD) all suggest that this variant is likely to be tolerated. In summary, the available evidence is currently insufficient to determine the role of this variant in disease. Therefore, it has been classified as a Variant of Uncertain Significance.

Literature cited by the submitters: PubMed 28065471 (cited by Victorian Clinical Genetics Services, Murdoch Childrens Research Institute); PubMed 29668857 (cited by Victorian Clinical Genetics Services, Murdoch Childrens Research Institute).